The following is an entry in ClinVar:

ClinVar aggregate classification (germline): Uncertain significance (1 of 4 stars; one submission).

Allele frequency attached by ClinVar (database versions not stated): TOPMed below 0.00001.

Submission:

GeneDx
Classification: Uncertain significance. Last evaluated: 2022-02-17. Review status: criteria provided, single submitter. Criteria: GeneDx Variant Classification Process June 2021. Collection method: clinical testing. Allele origin: germline. Affected: yes.
Comment: Not observed at significant frequency in large population cohorts (gnomAD); In silico analysis supports that this missense variant has a deleterious effect on protein structure/function; Has not been previously published as pathogenic or benign to our knowledge

NM_012154.5(AGO2):c.685C>G (p.Pro229Ala)

Genes: AGO2 (argonaute RISC catalytic component 2; minus strand), LOC126860545 (MED14-independent group 3 enhancer GRCh37_chr8:141569579-141570778; plus strand). Cytogenetic location: 8q24.3.
Variant type: single nucleotide variant.
Coding change: c.685C>G on transcript NM_012154.5 (MANE Select); coding-DNA position 685, C replaced by G.
Protein change: p.Pro229Ala; replaces proline 229 with alanine.
Molecular consequence: missense variant.
Genome position (GRCh38, 1-based): chr8:140,559,500, G>C on the plus strand (C>G on the coding strand, the complement: AGO2 is on the minus strand). VCF-style: chr8-140559500-G-C. GRCh37 (hg19) VCF-style: chr8-141569599-G-C.
Other names: c.685C>G, p.Pro229Ala (NM_001164623.3); short protein forms P229A.
Identifiers: ClinVar variation 1702711 (VCV001702711.2), dbSNP rs2073160745, ClinGen allele CA372323459.